The following is an entry in ClinVar:

ClinVar aggregate classification (germline): Uncertain significance (1 of 4 stars; one submission).

gnomAD v4.1: 5 of 1,551,866 alleles (0.00032%); highest among the groups gnomAD compares: African/African-American, 0.0055%; no homozygotes.

Submission:

Labcorp Genetics (formerly Invitae), Labcorp
Classification: Uncertain significance. Last evaluated: 2024-07-12. Review status: criteria provided, single submitter. Criteria: Invitae Variant Classification Sherloc (09022015). Collection method: clinical testing. Allele origin: germline.
Comment: This sequence change replaces alanine, which is neutral and non-polar, with threonine, which is neutral and polar, at codon 802 of the ZSWIM6 protein (p.Ala802Thr). This variant is present in population databases (rs754364885, gnomAD 0.01%). This variant has not been reported in the literature in individuals affected with ZSWIM6-related conditions. Advanced modeling of protein sequence and biophysical properties (such as structural, functional, and spatial information, amino acid conservation, physicochemical variation, residue mobility, and thermodynamic stability) performed at Invitae indicates that this missense variant is not expected to disrupt ZSWIM6 protein function with a negative predictive value of 80%. In summary, the available evidence is currently insufficient to determine the role of this variant in disease. Therefore, it has been classified as a Variant of Uncertain Significance.

NM_020928.2(ZSWIM6):c.2404G>A (p.Ala802Thr)

Gene: ZSWIM6 (zinc finger SWIM-type containing 6; plus strand). Cytogenetic location: 5q12.1.
Variant type: single nucleotide variant.
Coding change: c.2404G>A on transcript NM_020928.2 (MANE Select); coding-DNA position 2404, G replaced by A.
Protein change: p.Ala802Thr; replaces alanine 802 with threonine.
Molecular consequence: missense variant.
Genome position (GRCh38, 1-based): chr5:61,538,836, G>A. VCF-style: chr5-61538836-G-A. GRCh37 (hg19) VCF-style: chr5-60834663-G-A.
Other names: short protein forms A802T.
Identifiers: ClinVar variation 3633474 (VCV003633474.2).